The following is an entry in ClinVar:

ClinVar aggregate classification (germline): Pathogenic (1 of 4 stars; one submission).

Submission:

Labcorp Genetics (formerly Invitae), Labcorp
Classification: Pathogenic. Last evaluated: 2025-09-04. Review status: criteria provided, single submitter. Criteria: Invitae Variant Classification Sherloc (09022015). Collection method: clinical testing. Allele origin: germline.
Comment: This sequence change creates a premature translational stop signal (p.Arg1660Glyfs*51) in the ZNF469 gene. While this is not anticipated to result in nonsense mediated decay, it is expected to disrupt the last 2266 amino acid(s) of the ZNF469 protein. This variant is not present in population databases (gnomAD no frequency). This variant has not been reported in the literature in individuals affected with ZNF469-related conditions. This variant disrupts a region of the ZNF469 protein in which other variant(s) (p.Pro3556Glnfs*136) have been determined to be pathogenic (PMID: 32671420). This suggests that this is a clinically significant region of the protein, and that variants that disrupt it are likely to be disease-causing. For these reasons, this variant has been classified as Pathogenic.

Literature cited by the submitters: PubMed 32671420.

NM_001367624.2(ZNF469):c.5061del (p.Arg1688fs)

Gene: ZNF469 (zinc finger protein 469; plus strand). Cytogenetic location: 16q24.2.
Variant type: Deletion.
Coding change: c.5061del on transcript NM_001367624.2 (MANE Select); coding-DNA position 5061, one base deleted (C; older notation c.5061delC).
Protein change: p.Arg1688fs; shifts the reading frame from arginine 1688.
Molecular consequence: frameshift variant.
Genome position (GRCh38, 1-based): chr16:88,432,531, C deleted; the last of 4 consecutive C bases (chr16:88,432,528-88,432,531); deleting any one gives the same sequence. VCF-style (leftmost placement, unchanged base first): chr16-88432527-GC-G. GRCh37 (hg19) VCF-style: chr16-88498935-GC-G.
Other names: short protein forms R1688fs.
Identifiers: ClinVar variation 4726664 (VCV004726664.1).